The following is an entry in ClinVar:

NM_001308093.3(GATA4):c.1175G>C (p.Gly392Ala)

Gene: GATA4 (GATA binding protein 4). Cytogenetic location: 8p23.1.
Variant type: single nucleotide variant.
Coding change: c.1175G>C on transcript NM_001308093.3 (MANE Select); coding-DNA position 1175, G replaced by C.
Protein change: p.Gly392Ala; replaces glycine 392 with alanine.
Molecular consequence: missense variant.
Genome position (GRCh38, 1-based): chr8:11,758,318, G>C. VCF-style: chr8-11758318-G-C. GRCh37 (hg19) VCF-style: chr8-11615827-G-C.
Other names: c.554G>C, p.Gly185Ala (NM_001308094.2, NM_001374273.1); c.428G>C, p.Gly143Ala (NM_001374274.1); c.1172G>C, p.Gly391Ala (NM_002052.5); short protein forms G185A, G391A, G392A, G143A.
Identifiers: ClinVar variation 2763753 (VCV002763753.3), dbSNP rs147093296, ClinGen allele CA4630882.

ClinVar aggregate classification (germline): Uncertain significance (1 of 4 stars; one submission).

Conditions:
Atrioventricular septal defect 4 (AVSD4). Identifiers: MedGen C3280781, MONDO:0013747, OMIM 614430.

Allele frequency attached by ClinVar (database versions not stated): ExAC 0.00001; TOPMed 0.00001; gnomAD 0.00003; ESP Exome Variant Server 0.00008.
gnomAD v4.1: 5 of 1,614,010 alleles (0.00031%); highest among the groups gnomAD compares: African/African-American, 0.0053%; no homozygotes.

Submission:

Labcorp Genetics (formerly Invitae), Labcorp
Classification: Uncertain significance for Atrioventricular septal defect 4. Last evaluated: 2023-10-13. Review status: criteria provided, single submitter. Criteria: Invitae Variant Classification Sherloc (09022015). Collection method: clinical testing. Allele origin: germline.
Comment: This sequence change replaces glycine, which is neutral and non-polar, with alanine, which is neutral and non-polar, at codon 391 of the GATA4 protein (p.Gly391Ala). This variant is present in population databases (rs147093296, gnomAD 0.008%). This variant has not been reported in the literature in individuals affected with GATA4-related conditions. Advanced modeling of protein sequence and biophysical properties (such as structural, functional, and spatial information, amino acid conservation, physicochemical variation, residue mobility, and thermodynamic stability) performed at Invitae indicates that this missense variant is not expected to disrupt GATA4 protein function. In summary, the available evidence is currently insufficient to determine the role of this variant in disease. Therefore, it has been classified as a Variant of Uncertain Significance.